The following is an entry in ClinVar:

NC_000002.11:g.(?_39278265)_(39347563_?)del

Gene: SOS1 (SOS Ras/Rac guanine nucleotide exchange factor 1; minus strand). Cytogenetic location: 2p22.1.
Variant type: Deletion.
Identifiers: ClinVar variation 3247420 (VCV003247420.1).

ClinVar aggregate classification (germline): Uncertain significance (1 of 4 stars; one submission).

Conditions:
RASopathy. Also called: Noonan spectrum disorder; rasopathies. Identifiers: Orphanet 536391, MedGen C5555857, MONDO:0021060.

Submission:

Labcorp Genetics (formerly Invitae), Labcorp
Classification: Uncertain significance for RASopathy. Last evaluated: 2023-08-14. Review status: criteria provided, single submitter. Criteria: Invitae Variant Classification Sherloc (09022015). Collection method: clinical testing. Allele origin: unknown.
Comment: In summary, the available evidence is currently insufficient to determine the role of this variant in disease. Therefore, it has been classified as a Variant of Uncertain Significance. Experimental studies and prediction algorithms are not available or were not evaluated, and the functional significance of this variant is currently unknown. This variant has not been reported in the literature in individuals affected with SOS1-related conditions. This variant is a gross deletion of the genomic region encompassing exon(s) 1-6 of the SOS1 gene, which includes the initiator codon. This deletion extends beyond the assayed region for this gene and therefore may encompass additional genes. It is expected to result in an absent or disrupted protein product. However, the current clinical and genetic evidence is not sufficient to establish whether loss-of-function variants in SOS1 cause disease.